The following is an entry in ClinVar:

NM_001204.7(BMPR2):c.2092C>T (p.Pro698Ser)

Gene: BMPR2 (bone morphogenetic protein receptor type 2; plus strand). Cytogenetic location: 2q33.2.
Variant type: single nucleotide variant.
Coding change: c.2092C>T on transcript NM_001204.7 (MANE Select); coding-DNA position 2092, C replaced by T.
Protein change: p.Pro698Ser; replaces proline 698 with serine.
Molecular consequence: missense variant.
Genome position (GRCh38, 1-based): chr2:202,555,757, C>T. VCF-style: chr2-202555757-C-T. GRCh37 (hg19) VCF-style: chr2-203420480-C-T.
Other names: short protein forms P698S.
Identifiers: ClinVar variation 3824828 (VCV003824828.1).

ClinVar aggregate classification (germline): Uncertain significance (1 of 4 stars; one submission).

Conditions:
Inborn genetic diseases. Identifiers: MedGen C0950123, MeSH D030342.

gnomAD v4.1: 2 of 1,613,930 alleles (0.00012%); highest among the groups gnomAD compares: African/African-American, 0.0027%; no homozygotes.

Submission:

Ambry Genetics
Classification: Uncertain significance for Inborn genetic diseases. Last evaluated: 2025-01-09. Review status: criteria provided, single submitter. Criteria: Ambry Variant Classification Scheme 2023. Collection method: clinical testing. Allele origin: germline.
Comment: The p.P698S variant (also known as c.2092C>T), located in coding exon 12 of the BMPR2 gene, results from a C to T substitution at nucleotide position 2092. The proline at codon 698 is replaced by serine, an amino acid with similar properties. This amino acid position is conserved. In addition, the in silico prediction for this alteration is inconclusive. Based on the available evidence, the clinical significance of this variant remains unclear.